The following is an entry in ClinVar:

NM_002900.3(RBP3):c.1733C>T (p.Thr578Met)

Gene: RBP3 (retinol binding protein 3; plus strand). Cytogenetic location: 10q11.22.
Variant type: single nucleotide variant.
Coding change: c.1733C>T on transcript NM_002900.3 (MANE Select); coding-DNA position 1733, C replaced by T.
Protein change: p.Thr578Met; replaces threonine 578 with methionine.
Molecular consequence: missense variant.
Genome position (GRCh38, 1-based): chr10:47,350,217, C>T. VCF-style: chr10-47350217-C-T. GRCh37 (hg19) VCF-style: chr10-48389145-G-A.
Other names: c.1733C>T (NM_002900.2); short protein forms T578M.
Identifiers: ClinVar variation 1914080 (VCV001914080.5), dbSNP rs782234227, ClinGen allele CA5487452.

ClinVar aggregate classification (germline): Uncertain significance. Review status: criteria provided, multiple submitters, no conflicts (2 of 4 stars). 3 submissions from 3 submitters: Uncertain significance (3). Last evaluated 2025-04-29.

Conditions:
Inborn genetic diseases. Identifiers: MedGen C0950123, MeSH D030342.

gnomAD v4.1: 24 of 1,608,944 alleles (0.0015%); highest among the groups gnomAD compares: Middle Eastern, 0.016%; no homozygotes.

Submissions (3):

Ambry Genetics
Classification: Uncertain significance for Inborn genetic diseases. Last evaluated: 2025-04-29. Review status: criteria provided, single submitter. Criteria: Ambry Variant Classification Scheme 2023. Collection method: clinical testing. Allele origin: germline.

Blueprint Genetics
Classification: Uncertain significance. Last evaluated: 2023-12-08. Review status: criteria provided, single submitter. Criteria: ACMG Guidelines, 2015. Collection method: clinical testing. Allele origin: germline.

Labcorp Genetics (formerly Invitae), Labcorp
Classification: Uncertain significance. Last evaluated: 2022-07-16. Review status: criteria provided, single submitter. Criteria: Invitae Variant Classification Sherloc (09022015). Collection method: clinical testing. Allele origin: germline.
Comment: In summary, the available evidence is currently insufficient to determine the role of this variant in disease. Therefore, it has been classified as a Variant of Uncertain Significance. Algorithms developed to predict the effect of missense changes on protein structure and function are either unavailable or do not agree on the potential impact of this missense change (SIFT: "Deleterious"; PolyPhen-2: "Probably Damaging"; Align-GVGD: "Class C0"). This variant has not been reported in the literature in individuals affected with RBP3-related conditions. The frequency data for this variant in the population databases is considered unreliable, as metrics indicate poor data quality at this position in the gnomAD database. This sequence change replaces threonine, which is neutral and polar, with methionine, which is neutral and non-polar, at codon 578 of the RBP3 protein (p.Thr578Met).